The following is an entry in ClinVar:

ClinVar aggregate classification (germline): Uncertain significance (1 of 4 stars; one submission).

Allele frequency attached by ClinVar (database versions not stated): gnomAD 0.00001; gnomAD exomes below 0.00001.
gnomAD v4.1: 3 of 1,613,682 alleles (0.00019%); highest among the groups gnomAD compares: East Asian, 0.0045%; no homozygotes.

Submission:

Laboratory for Molecular Medicine, Mass General Brigham Personalized Medicine
Classification: Uncertain significance. Last evaluated: 2011-02-17. Review status: criteria provided, single submitter. Criteria: LMM Criteria. Collection method: clinical testing. Allele origin: germline. Observed: 2 variant alleles.
Comment: Variant classified as Uncertain Significance - Favor Benign. The Pro313His varia nt in USH2A has not been reported in the literature nor previously identified by our laboratory. Computational analyses (biochemical amino acid properties, homo logy, PolyPhen2, SIFT, AlignGVGD, MAPP) do not provide strong support for or aga inst pathogenicity. In summary, the clinical significance of this variant cannot be determined with certainty at this time.

NM_206933.4(USH2A):c.938C>A (p.Pro313His)

Gene: USH2A (usherin; minus strand). Cytogenetic location: 1q41.
Variant type: single nucleotide variant.
Coding change: c.938C>A on transcript NM_206933.4 (MANE Select); coding-DNA position 938, C replaced by A.
Protein change: p.Pro313His; replaces proline 313 with histidine.
Molecular consequence: missense variant.
Genome position (GRCh38, 1-based): chr1:216,325,510, G>T on the plus strand (C>A on the coding strand, the complement: USH2A is on the minus strand). VCF-style: chr1-216325510-G-T. GRCh37 (hg19) VCF-style: chr1-216498852-G-T.
Other names: c.938C>A, p.Pro313His (NM_007123.6); short protein forms P313H.
Identifiers: ClinVar variation 48625 (VCV000048625.5), dbSNP rs397518047, ClinGen allele CA143662.